The following is an entry in ClinVar:

NC_000010.10:g.(?_75802821)_(75877927_?)dup

Gene: VCL (vinculin; plus strand). Cytogenetic location: 10q22.2.
Variant type: Duplication.
Identifiers: ClinVar variation 2425878 (VCV002425878.4).

ClinVar aggregate classification (germline): Uncertain significance (1 of 4 stars; one submission).

Conditions:
Dilated cardiomyopathy 1W (CMD1W). Identifiers: Orphanet 154, MedGen C1969639, MONDO:0012667, OMIM 611407.

Submission:

Labcorp Genetics (formerly Invitae), Labcorp
Classification: Uncertain significance for Dilated cardiomyopathy 1W. Last evaluated: 2023-07-21. Review status: criteria provided, single submitter. Criteria: Invitae Variant Classification Sherloc (09022015). Collection method: clinical testing. Allele origin: germline.
Comment: This variant results in a copy number gain of the genomic region encompassing exon(s) 2-22 of the VCL gene. This region includes the termination codon of the gene. This copy number gain extends beyond the assayed region for this gene and therefore may encompass additional genes. As the precise location of this event is unknown, it may be in tandem or it may be located elsewhere in the genome. This variant has not been reported in the literature in individuals affected with VCL-related conditions. In summary, the available evidence is currently insufficient to determine the role of this variant in disease. Therefore, it has been classified as a Variant of Uncertain Significance. Experimental studies and prediction algorithms are not available or were not evaluated, and the functional significance of this variant is currently unknown.